The following is an entry in ClinVar:

ClinVar aggregate classification (germline): Uncertain significance (1 of 4 stars; one submission).

Conditions:
Inborn genetic diseases. Identifiers: MedGen C0950123, MeSH D030342.

Submission:

Ambry Genetics
Classification: Uncertain significance for Inborn genetic diseases. Last evaluated: 2026-08-22. Review status: criteria provided, single submitter. Criteria: Ambry Variant Classification Scheme 2023. Collection method: clinical testing. Allele origin: germline.
Comment: The p.L172V variant (also known as c.514C>G), located in coding exon 1 of the SMAD6 gene, results from a C to G substitution at nucleotide position 514. The leucine at codon 172 is replaced by valine, an amino acid with highly similar properties. This amino acid position is conserved. In addition, this alteration is predicted to be tolerated by in silico analysis. Based on the available evidence, the clinical significance of this variant remains unclear.

NM_005585.5(SMAD6):c.514C>G (p.Leu172Val)

Gene: SMAD6 (SMAD family member 6; plus strand). Cytogenetic location: 15q22.31.
Variant type: single nucleotide variant.
Coding change: c.514C>G on transcript NM_005585.5 (MANE Select); coding-DNA position 514, C replaced by G.
Protein change: p.Leu172Val; replaces leucine 172 with valine.
Molecular consequence: missense variant. On other transcripts: non-coding transcript variant (1).
Genome position (GRCh38, 1-based): chr15:66,703,772, C>G. VCF-style: chr15-66703772-C-G. GRCh37 (hg19) VCF-style: chr15-66996110-C-G.
Other names: short protein forms L172V.
Identifiers: ClinVar variation 5029779 (VCV005029779.1).